The following is an entry in ClinVar:

NM_206926.2(SELENON):c.1195T>G (p.Phe399Val)

Gene: SELENON (selenoprotein N; plus strand). Cytogenetic location: 1p36.11.
Variant type: single nucleotide variant.
Coding change: c.1195T>G on transcript NM_206926.2 (MANE Select); coding-DNA position 1195, T replaced by G.
Protein change: p.Phe399Val; replaces phenylalanine 399 with valine.
Molecular consequence: missense variant.
Genome position (GRCh38, 1-based): chr1:25,812,702, T>G. VCF-style: chr1-25812702-T-G. GRCh37 (hg19) VCF-style: chr1-26139193-T-G.
Other names: c.1297T>G, p.Phe433Val (NM_020451.3); short protein forms F433V, F399V.
Identifiers: ClinVar variation 2125535 (VCV002125535.7), dbSNP rs2525000338, ClinGen allele CA339117698.
Genomic context (GRCh38, chr1:25,812,702, plus strand): 5'-TGGCCGCTTTGATGATGGCTTCGCTCTGTCTCGGTGTGGCCCCAGGTCTCCTACTTGCCG[T>G]TCACTGAGGCCTTCGACCGAGCCAAGGCTGAGAACAAGCTGGTGCACTCAATCCTGCTGT-3'
Protein context (NP_996809.1, residues 389-409): YPFKKVSYLP[Phe399Val]TEAFDRAKAE

ClinVar aggregate classification (germline): Uncertain significance. Review status: criteria provided, multiple submitters, no conflicts (2 of 4 stars). 2 submissions from 2 submitters: Uncertain significance (2). Last evaluated 2022-12-23.

Conditions:
Eichsfeld type congenital muscular dystrophy (CMYO3). Also called: Rigid spine muscular dystrophy 1; MYOPATHY, SEPN1-RELATED; SELENON-related myopathy; Congenital myopathy 3 with rigid spine. Identifiers: MedGen C0410180, MONDO:0100100, OMIM 602771.

Submissions (2):

Revvity Omics, Revvity
Classification: Uncertain significance for Eichsfeld type congenital muscular dystrophy. Last evaluated: 2022-12-23. Review status: criteria provided, single submitter. Criteria: ACMG Guidelines, 2015. Collection method: clinical testing. Allele origin: germline.

Labcorp Genetics (formerly Invitae), Labcorp
Classification: Uncertain significance for Eichsfeld type congenital muscular dystrophy. Last evaluated: 2022-04-12. Review status: criteria provided, single submitter. Criteria: Invitae Variant Classification Sherloc (09022015). Collection method: clinical testing. Allele origin: germline.
Comment: In summary, the available evidence is currently insufficient to determine the role of this variant in disease. Therefore, it has been classified as a Variant of Uncertain Significance. Algorithms developed to predict the effect of missense changes on protein structure and function (SIFT, PolyPhen-2, Align-GVGD) all suggest that this variant is likely to be tolerated. This variant has not been reported in the literature in individuals affected with SELENON-related conditions. This sequence change replaces phenylalanine, which is neutral and non-polar, with valine, which is neutral and non-polar, at codon 433 of the SELENON protein (p.Phe433Val). This variant is not present in population databases (gnomAD no frequency).